The following is an entry in ClinVar:

ClinVar aggregate classification (germline): Pathogenic (3 of 4 stars; one submission).

Conditions:
Autosomal recessive limb-girdle muscular dystrophy. Identifiers: Orphanet 102015, MedGen C2931907, MONDO:0015152.

Submission:

ClinGen Limb Girdle Muscular Dystrophy Variant Curation Expert Panel, ClinGen
Classification: Pathogenic for Autosomal recessive limb-girdle muscular dystrophy. Last evaluated: 2025-06-17. Review status: reviewed by expert panel. Criteria: ClinGen LGMD VCEP ACMG Specifications DYSF V1.0.0. Collection method: curation. Allele origin: germline. Inheritance: Autosomal recessive inheritance.
Comment: The NC_000002.12: g.71479387_71482920del variant is a deletion that encompasses exons 2-3 of DYSF, NM_003494.4: c.89_236del (NM_001130987.2: c.92_239del). Exons 2 and 3 are out of frame, and RNAseq in a carrier of this deletion showed skipping of these exons, resulting in a frameshift expected to lead to premature truncation and nonsense mediated decay, p.Val31SerfsTer71 (PMID: 36983702; PVS1). This variant has been identified in one individual with features consistent with LGMD, where it was reported in unknown phase with a pathogenic variant (NM_003494.4: c.5979dup p.(Glu1994ArgfsTer3), 0.5 pts, PMID: 36983702; PM3_Supporting). This individual displayed progressive proximal muscle weakness and absent dysferlin protein expression by blood monocyte assay, which is highly specific for DYSF-related LGMD (PMID: 36983702; PP4_Strong). Similarly sized deletions of these exons are not present in gnomAD SVs v4.1.0 or gnomAD CNVs v4.1.0, but two deletions of DYSF exons 2-3 have been reported in the Database of Genomic Variants (PMID: 24174537) (PM2_Supporting). In summary, this variant meets the criteria to be classified as Pathogenic for autosomal recessive limb girdle muscular dystrophy based on the ACMG/AMP criteria applied, as specified by the ClinGen LGMD VCEP (LGMD VCEP specifications version 1.0.0; 06/17/2025): PVS1, PM3_Supporting, PP4_Strong, PM2_Supporting.

NM_001130987.2(DYSF):c.92-1496_239+950del

Gene: DYSF (dysferlin; plus strand). Cytogenetic location: 2p13.2.
Variant type: Deletion.
Coding change: c.92-1496_239+950del on transcript NM_001130987.2 (MANE Select); 1496 bases into the intron before coding-DNA position 92 through 950 bases into the intron after coding-DNA position 239, 3,534 bases deleted.
Molecular consequence: splice acceptor variant, splice donor variant.
Genome position (GRCh38, 1-based): chr2:71,479,387-71,482,920, 3,534 bases deleted. GRCh37 (hg19): chr2:71,706,517-71,710,050.
Other names: NM_003494.4:c.89-1496_236+950del; c.89-1496_236+950del (NM_001130979.2, NM_001130981.2, NM_001130980.2 and 4 more transcripts); c.92-1496_239+950del (NM_001130982.2, NM_001130985.2, NM_001130983.2 and 3 more transcripts).
Identifiers: ClinVar variation 4056139 (VCV004056139.1).